The following is an entry in ClinVar:

NM_001943.5(DSG2):c.909del (p.Asp304fs)

Gene: DSG2 (desmoglein 2; plus strand). Cytogenetic location: 18q12.1.
Variant type: Deletion.
Coding change: c.909del on transcript NM_001943.5 (MANE Select); coding-DNA position 909, one base deleted (T; older notation c.909delT).
Protein change: p.Asp304fs; shifts the reading frame from aspartic acid 304.
Molecular consequence: frameshift variant.
Genome position (GRCh38, 1-based): chr18:31,524,783, T deleted. VCF-style (leftmost placement, unchanged base first): chr18-31524782-CT-C. GRCh37 (hg19) VCF-style: chr18-29104745-CT-C.
Other names: short protein forms D304fs.
Identifiers: ClinVar variation 1459814 (VCV001459814.6), dbSNP rs2144322985, ClinGen allele CA2573155225.

ClinVar aggregate classification (germline): Pathogenic (1 of 4 stars; one submission).

Conditions:
Arrhythmogenic right ventricular dysplasia 10. Also called: Arrhythmogenic right ventricular dysplasia/cardiomyopathy, type 10; Arrhythmogenic Right Ventricular Dysplasia/Cardiomyopathy10; ARRHYTHMOGENIC RIGHT VENTRICULAR DYSPLASIA, FAMILIAL, 10. Identifiers: MedGen C1857777, MONDO:0012434, OMIM 610193.

Submission:

Labcorp Genetics (formerly Invitae), Labcorp
Classification: Pathogenic for Arrhythmogenic right ventricular dysplasia 10. Last evaluated: 2021-08-19. Review status: criteria provided, single submitter. Criteria: Invitae Variant Classification Sherloc (09022015). Collection method: clinical testing. Allele origin: germline.
Comment: This sequence change creates a premature translational stop signal (p.Asp304Ilefs*20) in the DSG2 gene. It is expected to result in an absent or disrupted protein product. Loss-of-function variants in DSG2 are known to be pathogenic (PMID: 17105751, 31386562). This variant is not present in population databases (ExAC no frequency). This variant has not been reported in the literature in individuals affected with DSG2-related conditions. For these reasons, this variant has been classified as Pathogenic.

Literature cited by the submitters: PubMed 17105751; PubMed 31386562.